The following is an entry in ClinVar:

ClinVar aggregate classification (germline): Uncertain significance (1 of 4 stars; one submission).

Conditions:
Familial thoracic aortic aneurysm and aortic dissection (TAAD). Also called: Thoracic aortic aneurysms and dissections. Identifiers: Orphanet 91387, MedGen C4707243, MONDO:0019625.

Submission:

Color Diagnostics, LLC DBA Color Health
Classification: Uncertain significance for Familial thoracic aortic aneurysm and aortic dissection. Last evaluated: 2020-12-08. Review status: criteria provided, single submitter. Criteria: ACMG Guidelines, 2015. Collection method: clinical testing. Allele origin: germline.
Comment: This variant causes a T to G nucleotide substitution at the -12 position of intron 4 of the FBN1 gene. Splice site prediction tools are inconclusive regarding the impact of this variant on RNA splicing. To our knowledge, functional studies have not been reported for this variant. This variant has not been reported in individuals affected with cardiovascular disorders in the literature. This variant has not been identified in the general population by the Genome Aggregation Database (gnomAD). The available evidence is insufficient to determine the role of this variant in disease conclusively. Therefore, this variant is classified as a Variant of Uncertain Significance.

NM_000138.5(FBN1):c.347-12T>G

Gene: FBN1 (fibrillin 1; minus strand). Cytogenetic location: 15q21.1.
Variant type: single nucleotide variant.
Coding change: c.347-12T>G on transcript NM_000138.5 (MANE Select); 12 bases into the intron before coding-DNA position 347, T replaced by G.
Molecular consequence: intron variant.
Genome position (GRCh38, 1-based): chr15:48,600,246, A>C on the plus strand (T>G on the coding strand, the complement: FBN1 is on the minus strand). VCF-style: chr15-48600246-A-C. GRCh37 (hg19) VCF-style: chr15-48892443-A-C.
Identifiers: ClinVar variation 1171624 (VCV001171624.2), dbSNP rs2140718351, ClinGen allele CA2499223020.